The following is an entry in ClinVar:

NM_001384732.1(CPLANE1):c.6274T>G (p.Leu2092Val)

Gene: CPLANE1 (ciliogenesis and planar polarity effector complex subunit 1; minus strand). Cytogenetic location: 5p13.2.
Variant type: single nucleotide variant.
Coding change: c.6274T>G on transcript NM_001384732.1 (MANE Select); coding-DNA position 6274, T replaced by G.
Protein change: p.Leu2092Val; replaces leucine 2092 with valine.
Molecular consequence: missense variant.
Genome position (GRCh38, 1-based): chr5:37,170,229, A>C on the plus strand (T>G on the coding strand, the complement: CPLANE1 is on the minus strand). VCF-style: chr5-37170229-A-C. GRCh37 (hg19) VCF-style: chr5-37170331-A-C.
Other names: c.6274T>G (NM_023073.3); c.6274T>G, p.Leu2092Val (NM_023073.4); short protein forms L2092V.
Identifiers: ClinVar variation 1388923 (VCV001388923.7), dbSNP rs915755841, ClinGen allele CA117055649.

ClinVar aggregate classification (germline): Uncertain significance. Review status: criteria provided, multiple submitters, no conflicts (2 of 4 stars). 3 submissions from 3 submitters: Uncertain significance (3). Last evaluated 2024-05-02.

Conditions:
Orofaciodigital syndrome type 6 (OFD6). Also called: Oral-facial-digital syndrome type 6; Central polydactyly cleft lip/palate or lingual lump and psychomotor retardation; Y-shaped central metacarpal and cerebellar defect; Joubert syndrome with orofacialdigital anomalies; VARADI SYNDROME; VARADI-PAPP SYNDROME. Identifiers: Orphanet 2754, MedGen C2745997, MONDO:0010176, OMIM 277170.
Joubert syndrome 17 (JBTS17). Identifiers: Orphanet 475, MedGen C3553264, MONDO:0013824, OMIM 614615.

Allele frequency attached by ClinVar (database versions not stated): gnomAD exomes below 0.00001; gnomAD 0.00001; TOPMed 0.00003.
gnomAD v4.1: 5 of 1,614,022 alleles (0.00031%); highest among the groups gnomAD compares: Admixed American, 0.0033%; no homozygotes.

Submissions (3):

Fulgent Genetics
Classification: Uncertain significance for Orofaciodigital syndrome type 6; Joubert syndrome 17. Last evaluated: 2024-05-02. Review status: criteria provided, single submitter. Criteria: ACMG Guidelines, 2015. Collection method: clinical testing. Allele origin: germline.

Labcorp Genetics (formerly Invitae), Labcorp
Classification: Uncertain significance. Last evaluated: 2024-02-17. Review status: criteria provided, single submitter. Criteria: Invitae Variant Classification Sherloc (09022015). Collection method: clinical testing. Allele origin: germline.
Comment: This sequence change replaces leucine, which is neutral and non-polar, with valine, which is neutral and non-polar, at codon 2092 of the CPLANE1 protein (p.Leu2092Val). This variant is not present in population databases (gnomAD no frequency). This variant has not been reported in the literature in individuals affected with CPLANE1-related conditions. ClinVar contains an entry for this variant (Variation ID: 1388923). Advanced modeling of protein sequence and biophysical properties (such as structural, functional, and spatial information, amino acid conservation, physicochemical variation, residue mobility, and thermodynamic stability) performed at Invitae indicates that this missense variant is not expected to disrupt CPLANE1 protein function with a negative predictive value of 95%. In summary, the available evidence is currently insufficient to determine the role of this variant in disease. Therefore, it has been classified as a Variant of Uncertain Significance.

Breakthrough Genomics
Classification: Uncertain significance. Review status: criteria provided, single submitter. Criteria: ACMG Guidelines, 2015. Collection method: not provided. Allele origin: germline. Inheritance: Autosomal recessive inheritance. Affected: yes.